The following is an entry in ClinVar:

ClinVar aggregate classification (germline): Conflicting classifications of pathogenicity. Review status: criteria provided, conflicting classifications (1 of 4 stars). 3 submissions from 3 submitters: Pathogenic (1); Uncertain significance (1). 1 of the submissions does not count toward it. Last evaluated 2025-07-09.

Conditions:
Autosomal recessive congenital ichthyosis 8 (ARCI8). Also called: ICHTHYOSIS, LAMELLAR, 4; LAMELLAR ICHTHYOSIS, LATE-ONSET. Identifiers: Orphanet 313, MedGen C3553029, MONDO:0013495, OMIM 613943.

Submissions (3):

First Genomix Gene Laboratory, Genetic Diagnostics Department
Classification: Pathogenic for Autosomal recessive congenital ichthyosis 8. Last evaluated: 2025-07-09. Review status: criteria provided, single submitter. Criteria: ACMG Guidelines, 2015. Collection method: clinical testing. Allele origin: germline. Inheritance: Autosomal recessive inheritance. Affected: no. Observed: 1 variant allele.

Women's Health and Genetics/Laboratory Corporation of America, LabCorp
Classification: Uncertain significance. Last evaluated: 2025-02-07. Review status: criteria provided, single submitter. Criteria: LabCorp Variant Classification Summary - May 2015. Collection method: clinical testing. Allele origin: germline.
Comment: Variant summary: LIPN c.399_400delGA (p.Glu133AspfsX3) results in a premature termination codon, predicted to cause a truncation of the encoded protein or absence of the protein due to nonsense mediated decay, however current evidence is not sufficient to establish loss of function as a mechanism for disease. The variant allele was found at a frequency of 3.7e-05 in 244878 control chromosomes. The available data on variant occurrences in the general population are insufficient to allow any conclusion about variant significance. c.399_400delGA has been reported in the literature in individuals affected with Lamellar Ichthyosis. These report(s) do not provide unequivocal conclusions about association of the variant with Lamellar Ichthyosis. To our knowledge, no experimental evidence demonstrating an impact on protein function has been reported. The following publications have been ascertained in the context of this evaluation (PMID: 33786896, 23621129). ClinVar contains an entry for this variant (Variation ID: 31088). Based on the evidence outlined above, the variant was classified as uncertain significance.

OMIM
Classification: Pathogenic for ICHTHYOSIS, CONGENITAL, AUTOSOMAL RECESSIVE 8. Last evaluated: 2011-04-08. Review status: no assertion criteria provided. Collection method: literature only. Allele origin: germline. Not counted in ClinVar's aggregate classification.

Literature cited by the submitters: PubMed 33786896 (cited by Women's Health and Genetics/Laboratory Corporation of America, LabCorp); PubMed 23621129 (cited by Women's Health and Genetics/Laboratory Corporation of America, LabCorp); PubMed 21439540 (cited by OMIM).

NM_001102469.2(LIPN):c.399_400del (p.Glu133fs)

Gene: LIPN (lipase family member N; plus strand). Cytogenetic location: 10q23.31.
Variant type: Microsatellite.
Coding change: c.399_400del on transcript NM_001102469.2 (MANE Select); coding-DNA positions 399 to 400, 2 bases deleted (GA; older notation c.399_400delGA).
Protein change: p.Glu133fs; shifts the reading frame from glutamic acid 133.
Molecular consequence: frameshift variant.
Genome position (GRCh38, 1-based): chr10:88,764,582-88,764,583, GA deleted; deleting any 2 consecutive bases within chr10:88,764,579-88,764,583 gives the same sequence; the c. name uses the placement nearest the transcript's 3' end. VCF-style (leftmost placement, unchanged base first): chr10-88764578-CAG-C. GRCh37 (hg19) VCF-style: chr10-90524335-CAG-C.
Other names: c.399_400delGA (NM_001102469.1, NM_001102469.2); short protein forms E133fs.
Identifiers: ClinVar variation 31088 (VCV000031088.4), dbSNP rs759880018, ClinGen allele CA5591845.